The following is an entry in ClinVar:

ClinVar aggregate classification (germline): Uncertain significance. Review status: criteria provided, multiple submitters, no conflicts (2 of 4 stars). 2 submissions from 2 submitters: Uncertain significance (2). Last evaluated 2024-10-03.

Allele frequency attached by ClinVar (database versions not stated): TOPMed 0.00002.
gnomAD v4.1: 25 of 1,612,282 alleles (0.0016%); highest among the groups gnomAD compares: African/African-American, 0.0027%; no homozygotes.

Submissions (2):

Ambry Genetics
Classification: Uncertain significance. Last evaluated: 2024-10-03. Review status: criteria provided, single submitter. Criteria: Ambry Variant Classification Scheme 2023. Collection method: clinical testing. Allele origin: germline.

Centre for Mendelian Genomics, University Medical Centre Ljubljana
Classification: Uncertain significance. Last evaluated: 2019-03-27. Review status: criteria provided, single submitter. Criteria: ACMG Guidelines, 2015. Collection method: clinical testing. Allele origin: unknown. Affected: yes.
Comment: This variant was classified as: Uncertain significance. The available evidence on this variant's pathogenicity is insufficient or conflicting. The following ACMG criteria were applied in classifying this variant: PM2,PP3.

NM_032531.4(KIRREL3):c.232G>A (p.Val78Ile)

Gene: KIRREL3 (kirre like nephrin family adhesion molecule 3; minus strand). Cytogenetic location: 11q24.2.
Variant type: single nucleotide variant.
Coding change: c.232G>A on transcript NM_032531.4 (MANE Select); coding-DNA position 232, G replaced by A.
Protein change: p.Val78Ile; replaces valine 78 with isoleucine.
Molecular consequence: missense variant.
Genome position (GRCh38, 1-based): chr11:126,526,589, C>T on the plus strand (G>A on the coding strand, the complement: KIRREL3 is on the minus strand). VCF-style: chr11-126526589-C-T. GRCh37 (hg19) VCF-style: chr11-126396484-C-T.
Other names: c.232G>A, p.Val78Ile (NM_001161707.2, NM_001301097.2); short protein forms V78I.
Identifiers: ClinVar variation 931009 (VCV000931009.4), dbSNP rs780770440, ClinGen allele CA6356293.